The following is an entry in ClinVar:

NM_005048.4(PTH2R):c.6C>A (p.Ala2=)

Gene: PTH2R (parathyroid hormone 2 receptor; plus strand). Cytogenetic location: 2q34.
Variant type: single nucleotide variant.
Coding change: c.6C>A on transcript NM_005048.4 (MANE Select); coding-DNA position 6, C replaced by A.
Protein change: p.Ala2=; no amino-acid change (alanine 2 retained).
Molecular consequence: synonymous variant. On other transcripts: intron variant (4).
Genome position (GRCh38, 1-based): chr2:208,407,049, C>A. VCF-style: chr2-208407049-C-A. GRCh37 (hg19) VCF-style: chr2-209271774-C-A.
Other names: c.-325-8471C>A (NM_001371905.1); c.-334-9812C>A (NM_001371906.1); c.-258-21152C>A (NM_001309516.2, NM_001371907.1).
Identifiers: ClinVar variation 779079 (VCV000779079.28), dbSNP rs142146558, ClinGen allele CA2080866.

ClinVar aggregate classification (germline): Benign/Likely benign. Review status: criteria provided, multiple submitters, no conflicts (2 of 4 stars). 2 submissions from 2 submitters: Benign (1); Likely benign (1). Last evaluated 2022-11-01.

Allele frequency attached by ClinVar (database versions not stated): 1000 Genomes Project 0.00120; 1000 Genomes Project 30x 0.00125; TOPMed 0.00276; gnomAD 0.00316 and 0.00319; ESP Exome Variant Server 0.00331; ExAC 0.00380; gnomAD exomes 0.00402.
gnomAD v4.1: 5,775 of 1,392,932 alleles (0.41%); highest among the groups gnomAD compares: South Asian, 0.5%; 16 homozygotes.

Submissions (2):

CeGaT Center for Human Genetics Tuebingen
Classification: Likely benign. Last evaluated: 2022-11-01. Review status: criteria provided, single submitter. Criteria: CeGaT Center For Human Genetics Tuebingen Variant Classification Criteria Version 2. Collection method: clinical testing. Allele origin: germline. Affected: yes. Observed: 2 variant alleles.
Comment: PTH2R: BP4, BP7, BS2

Labcorp Genetics (formerly Invitae), Labcorp
Classification: Benign. Last evaluated: 2019-12-31. Review status: criteria provided, single submitter. Criteria: Invitae Variant Classification Sherloc (09022015). Collection method: clinical testing. Allele origin: germline.